The following is an entry in ClinVar:

NM_016042.4(EXOSC3):c.736_737delinsAC (p.Gln246Thr)

Gene: EXOSC3 (exosome component 3; minus strand). Cytogenetic location: 9p13.2.
Variant type: Indel.
Coding change: c.736_737delinsAC on transcript NM_016042.4 (MANE Select); coding-DNA positions 736 to 737, CA replaced by AC.
Protein change: p.Gln246Thr; replaces glutamine 246 with threonine.
Molecular consequence: missense variant. On other transcripts: 3 prime UTR variant (1).
Genome position (GRCh38, 1-based): chr9:37,780,770-37,780,771, TG replaced by GT on the plus strand (CA replaced by AC on the coding strand, the reverse complement: EXOSC3 is on the minus strand). VCF-style: chr9-37780770-TG-GT. GRCh37 (hg19) VCF-style: chr9-37780767-TG-GT.
Other names: c.*89_*90delinsAC (NM_001002269.2); short protein forms Q246T.
Identifiers: ClinVar variation 1347428 (VCV001347428.5), dbSNP rs2118975671, ClinGen allele CA2573144643.

ClinVar aggregate classification (germline): Uncertain significance (1 of 4 stars; one submission).

Conditions:
Pontocerebellar hypoplasia type 1B. Also called: EXOSC3 Pontocerebellar Hypoplasia. Identifiers: Orphanet 2254, MedGen C3553449, MONDO:0013853, OMIM 614678.

Submission:

Labcorp Genetics (formerly Invitae), Labcorp
Classification: Uncertain significance for Pontocerebellar hypoplasia type 1B. Last evaluated: 2021-08-14. Review status: criteria provided, single submitter. Criteria: Invitae Variant Classification Sherloc (09022015). Collection method: clinical testing. Allele origin: germline.
Comment: This sequence change replaces glutamine with threonine at codon 246 of the EXOSC3 protein (p.Gln246Thr). The glutamine residue is moderately conserved and there is a small physicochemical difference between glutamine and threonine. The frequency data for this variant in the population databases is not available, as this variant may be reported as separate entries in the ExAC database. This variant has not been reported in the literature in individuals affected with EXOSC3-related conditions. Algorithms developed to predict the effect of missense changes on protein structure and function are either unavailable or do not agree on the potential impact of this missense change (SIFT: "Not Available"; PolyPhen-2: "Benign"; Align-GVGD: "Not Available"). In summary, the available evidence is currently insufficient to determine the role of this variant in disease. Therefore, it has been classified as a Variant of Uncertain Significance.